The following is an entry in ClinVar:

NM_000222.3(KIT):c.2023T>C (p.Tyr675His)

Gene: KIT (KIT proto-oncogene, receptor tyrosine kinase; plus strand). Cytogenetic location: 4q12.
Variant type: single nucleotide variant.
Coding change: c.2023T>C on transcript NM_000222.3 (MANE Select); coding-DNA position 2023, T replaced by C.
Protein change: p.Tyr675His; replaces tyrosine 675 with histidine.
Molecular consequence: missense variant.
Genome position (GRCh38, 1-based): chr4:54,729,367, T>C. VCF-style: chr4-54729367-T-C. GRCh37 (hg19) VCF-style: chr4-55595533-T-C.
Other names: c.2011T>C, p.Tyr671His (NM_001093772.2, NM_001385286.1); c.2026T>C, p.Tyr676His (NM_001385284.1, NM_001385290.1); c.2023T>C, p.Tyr675His (NM_001385285.1); c.2014T>C, p.Tyr672His (NM_001385288.1, NM_001385292.1); short protein forms Y671H, Y672H, Y675H, Y676H.
Identifiers: ClinVar variation 3230662 (VCV003230662.1), dbSNP rs2109786122, ClinGen allele CA356909312.

ClinVar aggregate classification (germline): Uncertain significance (1 of 4 stars; one submission).

Conditions:
Hereditary cancer-predisposing syndrome. Also called: Neoplastic Syndromes, Hereditary; Tumor predisposition; Hereditary neoplastic syndrome; Hereditary Cancer Syndrome. Identifiers: Orphanet 140162, MedGen C0027672, MeSH D009386, MONDO:0015356.

Submission:

Ambry Genetics
Classification: Uncertain significance for Hereditary cancer-predisposing syndrome. Last evaluated: 2023-10-15. Review status: criteria provided, single submitter. Criteria: Ambry Variant Classification Scheme 2023. Collection method: clinical testing. Allele origin: germline.
Comment: The p.Y675H variant (also known as c.2023T>C), located in coding exon 14 of the KIT gene, results from a T to C substitution at nucleotide position 2023. The tyrosine at codon 675 is replaced by histidine, an amino acid with similar properties. This amino acid position is conserved. In addition, this alteration is predicted to be tolerated by in silico analysis. Since supporting evidence is limited at this time, the clinical significance of this alteration remains unclear.